The following is an entry in ClinVar:

NM_000283.4(PDE6B):c.1506C>T (p.Tyr502=)

Gene: PDE6B (phosphodiesterase 6B; plus strand). Cytogenetic location: 4p16.3.
Variant type: single nucleotide variant.
Coding change: c.1506C>T on transcript NM_000283.4 (MANE Select); coding-DNA position 1506, C replaced by T.
Protein change: p.Tyr502=; no amino-acid change (tyrosine 502 retained).
Molecular consequence: synonymous variant.
Genome position (GRCh38, 1-based): chr4:660,505, C>T. VCF-style: chr4-660505-C-T. GRCh37 (hg19) VCF-style: chr4-654294-C-T.
Other names: c.1506C>T, p.Tyr502= (NM_001145291.2); c.669C>T, p.Tyr223= (NM_001145292.2, NM_001350154.3, NM_001379246.1 and 1 more transcripts); c.351C>T, p.Tyr117= (NM_001350155.3).
Identifiers: ClinVar variation 905591 (VCV000905591.12), dbSNP rs750323428, ClinGen allele CA2794565.

ClinVar aggregate classification (germline): Conflicting classifications of pathogenicity. Review status: criteria provided, conflicting classifications (1 of 4 stars). 4 submissions from 3 submitters: Uncertain significance (1); Benign (1); Likely benign (2). Last evaluated 2025-09-09.

Conditions:
Retinitis pigmentosa (RP). Identifiers: Orphanet 791, MedGen C0035334, MeSH D012174, MONDO:0019200, OMIM 268000. Inheritance: Autosomal dominant, autosomal recessive and X linked inheritance.
Congenital stationary night blindness autosomal dominant 2. Also called: NIGHT BLINDNESS, CONGENITAL STATIONARY, RAMBUSCH TYPE. Identifiers: Orphanet 215, MedGen C1876182, MONDO:0008099, OMIM 163500.

Allele frequency attached by ClinVar (database versions not stated): gnomAD 0.00005 and 0.00006; gnomAD exomes 0.00006; ExAC 0.00007; TOPMed 0.00009.
gnomAD v4.1: 137 of 1,613,758 alleles (0.0085%); highest among the groups gnomAD compares: Non-Finnish European, 0.011%; no homozygotes.

Submissions (4):

Labcorp Genetics (formerly Invitae), Labcorp
Classification: Likely benign. Last evaluated: 2025-09-09. Review status: criteria provided, single submitter. Criteria: Invitae Variant Classification Sherloc (09022015). Collection method: clinical testing. Allele origin: germline.

Blueprint Genetics
Classification: Likely benign. Last evaluated: 2024-03-26. Review status: criteria provided, single submitter. Criteria: ACMG Guidelines, 2015. Collection method: clinical testing. Allele origin: germline.

Illumina Laboratory Services, Illumina
Classification: Benign for Congenital stationary night blindness autosomal dominant 2. Last evaluated: 2018-01-13. Review status: criteria provided, single submitter. Criteria: ICSL Variant Classification Criteria 13 December 2019. Collection method: clinical testing. Allele origin: germline.
Comment: This variant was observed in the ICSL laboratory as part of a predisposition screen in an ostensibly healthy population. It had not been previously curated by ICSL or reported in the Human Gene Mutation Database (HGMD: prior to June 1st, 2018), and was therefore a candidate for classification through an automated scoring system. Utilizing variant allele frequency, disease prevalence and penetrance estimates, and inheritance mode, an automated score was calculated to assess if this variant is too frequent to cause the disease. Based on the score and internal cut-off values, a variant classified as benign is not then subjected to further curation. The score for this variant resulted in a classification of benign for this disease.

Illumina Laboratory Services, Illumina
Classification: Uncertain significance for Retinitis pigmentosa. Last evaluated: 2018-01-13. Review status: criteria provided, single submitter. Criteria: ICSL Variant Classification Criteria 13 December 2019. Collection method: clinical testing. Allele origin: germline.